The following is an entry in ClinVar:

ClinVar aggregate classification (germline): Pathogenic/Likely pathogenic. Review status: criteria provided, multiple submitters, no conflicts (2 of 4 stars). 10 submissions from 9 submitters: Pathogenic (6); Likely pathogenic (2). 2 of the submissions do not count toward it. Last evaluated 2024-07-09.

Conditions:
Orofaciodigital syndrome XV (OFD15). Also called: OFDS XV; ORAL-FACIAL-DIGITAL SYNDROME, TYPE XV. Identifiers: MedGen C4310701, MONDO:0014932, OMIM 617127.
Short-rib thoracic dysplasia 21 without polydactyly. Identifiers: MedGen C5561961, MONDO:0030356, OMIM 619479.
KIAA0753-related disorder.
Jeune thoracic dystrophy. Also called: Jeune syndrome; Infantile thoracic dystrophy; Thoracic pelvic phalangeal dystrophy; Jeune's syndrome; Chondroectodermal dysplasia-like syndrome; Short-rib thoracic dysplasia. Identifiers: Orphanet 474, MedGen C0265275, MONDO:0018770.
Joubert syndrome. Also called: Familial aplasia of the vermis; JOUBERT-BOLTSHAUSER SYNDROME. Identifiers: Orphanet 475, MedGen C5979921, MONDO:0018772.

Allele frequency attached by ClinVar (database versions not stated): gnomAD 0.00002; TOPMed 0.00002.
gnomAD v4.1: 61 of 1,613,986 alleles (0.0038%); highest among the groups gnomAD compares: Non-Finnish European, 0.0047%; no homozygotes.

Submissions (10):

GeneDx
Classification: Pathogenic. Last evaluated: 2024-07-09. Review status: criteria provided, single submitter. Criteria: GeneDx Variant Classification Process June 2021. Collection method: clinical testing. Allele origin: germline. Affected: yes.
Comment: Nonsense variant predicted to result in protein truncation or nonsense mediated decay in a gene for which loss of function is a known mechanism of disease; This variant is associated with the following publications: (PMID: 33875766, 34529350, 31816441, 29138412, 33726816, 34523780)

Labcorp Genetics (formerly Invitae), Labcorp
Classification: Pathogenic. Last evaluated: 2023-12-09. Review status: criteria provided, single submitter. Criteria: Invitae Variant Classification Sherloc (09022015). Collection method: clinical testing. Allele origin: germline.
Comment: This sequence change creates a premature translational stop signal (p.Arg324*) in the KIAA0753 gene. It is expected to result in an absent or disrupted protein product. Loss-of-function variants in KIAA0753 are known to be pathogenic (PMID: 29138412). This variant is present in population databases (rs746068882, gnomAD 0.003%). This premature translational stop signal has been observed in individual(s) with clinical features of KIAA0753-related conditions (PMID: 29138412, 34529350). ClinVar contains an entry for this variant (Variation ID: 428613). For these reasons, this variant has been classified as Pathogenic.

Department of Pathology and Laboratory Medicine, Sinai Health System
Classification: Likely pathogenic for Short-rib thoracic dysplasia 21 without polydactyly; Orofaciodigital syndrome XV. Last evaluated: 2023-03-16. Review status: criteria provided, single submitter. Criteria: ACMG Guidelines, 2015. Collection method: research. Allele origin: germline.

Blueprint Genetics
Classification: Pathogenic for KIAA0753-related disorders. Last evaluated: 2022-07-13. Review status: criteria provided, single submitter. Criteria: ACMG Guidelines, 2015. Collection method: clinical testing. Allele origin: germline. Affected: yes. Observed: 2 variant alleles.

Mendelics
Classification: Pathogenic for Orofaciodigital syndrome XV. Last evaluated: 2022-05-04. Review status: criteria provided, single submitter. Criteria: Mendelics Assertion Criteria 2019. Collection method: clinical testing. Allele origin: germline.

Revvity Omics, Revvity
Classification: Likely pathogenic. Last evaluated: 2020-04-13. Review status: criteria provided, single submitter. Criteria: ACMG Guidelines, 2015. Collection method: clinical testing. Allele origin: germline.

Rare Disease Group, Clinical Genetics, Karolinska Institutet
Classification: Pathogenic for Jeune thoracic dystrophy. Last evaluated: 2019-06-08. Review status: criteria provided, single submitter. Criteria: ACMG Guidelines, 2015. Collection method: clinical testing. Allele origin: inherited. Inheritance: Autosomal recessive inheritance. Affected: yes. Observed: 1 homozygote.
Comment: The p.Arg324* variant in KIAA0753 has been reported in homozygous state in two other families with autosomal recessive inheritance (HammarsjÃ¶ 2017) with SRTD and Joubert features. Disease-causing variants in the gene has been reported to cause SRTD/OFD/JBTS (Firat-Karalar 2014, Chevrier 2016, Hammarsjo 2017) and loss of cilia function. In summary, the p.Arg324* variant meets our criteria to be classified as pathogenic.

Clinical Genetics and Genomics, Karolinska University Hospital
Classification: Pathogenic. Last evaluated: 2018-10-30. Review status: criteria provided, single submitter. Criteria: ACMG Guidelines, 2015. Collection method: clinical testing. Allele origin: germline. Affected: yes. Observed: 3 variant alleles.

OMIM
Classification: Pathogenic for SHORT-RIB THORACIC DYSPLASIA 21. Last evaluated: 2021-10-07. Review status: no assertion criteria provided. Collection method: literature only. Allele origin: germline. Not counted in ClinVar's aggregate classification.

Rare Disease Group, Clinical Genetics, Karolinska Institutet
Classification: Pathogenic for Jeune thoracic dystrophy; Joubert syndrome. Last evaluated: 2017-06-21. Review status: no assertion criteria provided. Collection method: research. Allele origin: inherited. Inheritance: Autosomal recessive inheritance. Affected: yes. Observed: 3 variant alleles, 3 homozygotes. Not counted in ClinVar's aggregate classification.
Comment: Three patients from two families homozygous for this nonsense variant.

Literature cited by the submitters: PubMed 29138412 (cited by 3 submitters); PubMed 34529350 (cited by Labcorp Genetics (formerly Invitae), Labcorp); Hammarsjo, A., Pettersson, M., Chitayat, D., Handa, A., Anderlid, B.-M., Bartocci, M., Basel, D., Batkovskyte, D., Beleza-Meireles, A., Conner, P., Eisfeldt J., Girisha, K. M., and 21 others High diagnostic yield in skeletal ciliopathies using massively parallel genome sequencing, structural variant screening and RNA analyses. J. Hum. Genet. 66: 995-1008, 2021. (cited by OMIM).

NM_014804.3(KIAA0753):c.970C>T (p.Arg324Ter)

Gene: KIAA0753 (KIAA0753; minus strand). Cytogenetic location: 17p13.1.
Variant type: single nucleotide variant.
Coding change: c.970C>T on transcript NM_014804.3 (MANE Select); coding-DNA position 970, C replaced by T.
Protein change: p.Arg324Ter; replaces arginine 324 with a stop codon.
Molecular consequence: nonsense. On other transcripts: non-coding transcript variant (3).
Genome position (GRCh38, 1-based): chr17:6,623,016, G>A on the plus strand (C>T on the coding strand, the complement: KIAA0753 is on the minus strand). VCF-style: chr17-6623016-G-A. GRCh37 (hg19) VCF-style: chr17-6526336-G-A.
Other names: MNR; OFIP; c.73C>T, p.Arg25Ter (NM_001351225.2); short protein forms R324*, R25*.
Identifiers: ClinVar variation 428613 (VCV000428613.23), dbSNP rs746068882, ClinGen allele CA8330639.